The following is an entry in ClinVar:

NM_001267550.2(TTN):c.525A>T (p.Ser175=)

Gene: TTN (titin; minus strand). Cytogenetic location: 2q31.2.
Variant type: single nucleotide variant.
Coding change: c.525A>T on transcript NM_001267550.2 (MANE Select); coding-DNA position 525, A replaced by T.
Protein change: p.Ser175=; no amino-acid change (serine 175 retained).
Molecular consequence: synonymous variant.
Genome position (GRCh38, 1-based): chr2:178,800,453, T>A on the plus strand (A>T on the coding strand, the complement: TTN is on the minus strand). VCF-style: chr2-178800453-T-A. GRCh37 (hg19) VCF-style: chr2-179665180-T-A.
Other names: c.525A>T, p.Ser175= (NM_001256850.1, NM_003319.4, NM_133378.4 and 3 more transcripts).
Identifiers: ClinVar variation 3352950 (VCV003352950.3).
Genomic context (GRCh38, chr2:178,800,453, plus strand): 5'-ACCTTGAACCAGTAATTCAGCAGTCGAAGTAGCTCTTCCAACGCTATTGGTGGCATTTAC[T>A]GAATAGGTCCCTGAGTCCTCAGGGTATGCTTCTGCAATCAGTAAGCTGTAGAGGTCGCCT-3'
Protein context (NP_001254479.2, residues 165-185): EAYPEDSGTY[Ser175=]VNATNSVGRA

ClinVar aggregate classification (germline): Likely benign. Review status: criteria provided, single submitter (1 of 4 stars). 2 submissions from 2 submitters: Likely benign (1). 1 of the submissions does not count toward it. Last evaluated 2024-10-16.

Conditions:
Dilated cardiomyopathy 1G (CMD1G). Identifiers: Orphanet 154, MedGen C1858763, MONDO:0011400, OMIM 604145.
Autosomal recessive limb-girdle muscular dystrophy type 2J (LGMDR10). Also called: Limb-girdle muscular dystrophy, type 2J; MUSCULAR DYSTROPHY, LIMB-GIRDLE, AUTOSOMAL RECESSIVE 10. Identifiers: Orphanet 140922, MedGen C1837342, MONDO:0012127, OMIM 608807.
TTN-related disorder. Also called: TTN-related disorders; TTN-related condition; TTN-related disease.

gnomAD v4.1: 7 of 1,614,186 alleles (0.00043%); highest among the groups gnomAD compares: South Asian, 0.0077%; no homozygotes.

Submissions (2):

Labcorp Genetics (formerly Invitae), Labcorp
Classification: Likely benign for Dilated cardiomyopathy 1G; Autosomal recessive limb-girdle muscular dystrophy type 2J. Last evaluated: 2024-10-16. Review status: criteria provided, single submitter. Criteria: Invitae Variant Classification Sherloc (09022015). Collection method: clinical testing. Allele origin: germline.

PreventionGenetics, part of Exact Sciences
Classification: Likely benign for TTN-related condition. Last evaluated: 2024-07-10. Review status: no assertion criteria provided. Collection method: clinical testing. Allele origin: germline. Not counted in ClinVar's aggregate classification.
Comment: This variant is classified as likely benign based on ACMG/AMP sequence variant interpretation guidelines (Richards et al. 2015 PMID: 25741868, with internal and published modifications).